The following is an entry in ClinVar:

ClinVar aggregate classification (germline): Uncertain significance (1 of 4 stars; one submission).

Conditions:
Nemaline myopathy 2 (NEM2). Also called: Nemaline myopathy 2, autosomal recessive. Identifiers: MedGen C1850569, MONDO:0009725, OMIM 256030.

gnomAD v4.1: 1 of 1,613,454 alleles (0.000062%); no homozygotes.

Submission:

Labcorp Genetics (formerly Invitae), Labcorp
Classification: Uncertain significance for Nemaline myopathy 2. Last evaluated: 2021-08-31. Review status: criteria provided, single submitter. Criteria: Invitae Variant Classification Sherloc (09022015). Collection method: clinical testing. Allele origin: germline.
Comment: This sequence change replaces methionine with valine at codon 6926 of the NEB protein (p.Met6926Val). The methionine residue is moderately conserved and there is a small physicochemical difference between methionine and valine. This variant is not present in population databases (ExAC no frequency). This variant has not been reported in the literature in individuals affected with NEB-related conditions. Algorithms developed to predict the effect of missense changes on protein structure and function are either unavailable or do not agree on the potential impact of this missense change (SIFT: "Deleterious"; PolyPhen-2: "Not Available"; Align-GVGD: "Class C0"). In summary, the available evidence is currently insufficient to determine the role of this variant in disease. Therefore, it has been classified as a Variant of Uncertain Significance.

NM_001164508.2(NEB):c.20776A>G (p.Met6926Val)

Gene: NEB (nebulin; minus strand). Cytogenetic location: 2q23.3.
Variant type: single nucleotide variant.
Coding change: c.20776A>G on transcript NM_001164508.2 (MANE Select); coding-DNA position 20776, A replaced by G.
Protein change: p.Met6926Val; replaces methionine 6926 with valine.
Molecular consequence: missense variant.
Genome position (GRCh38, 1-based): chr2:151,540,708, T>C on the plus strand (A>G on the coding strand, the complement: NEB is on the minus strand). VCF-style: chr2-151540708-T-C. GRCh37 (hg19) VCF-style: chr2-152397222-T-C.
Other names: c.20776A>G, p.Met6926Val (NM_001164507.2, NM_001271208.2); c.15673A>G, p.Met5225Val (NM_004543.5); short protein forms M6926V, M5225V.
Identifiers: ClinVar variation 574050 (VCV000574050.6), dbSNP rs1559707924, ClinGen allele CA348777463.